The following is an entry in ClinVar:

ClinVar aggregate classification (germline): Conflicting classifications of pathogenicity. Review status: criteria provided, conflicting classifications (1 of 4 stars). 4 submissions from 4 submitters: Likely pathogenic (1); Uncertain significance (1). 2 of the submissions do not count toward it. Last evaluated 2025-11-18.

Conditions:
Multiple mitochondrial dysfunctions syndrome 4 (MMDS4). Also called: ISCA2-Related Mitochondrial Disorder. Identifiers: Orphanet 457406, MedGen C4225348, MONDO:0014611, OMIM 616370.

Submissions (4):

GeneDx
Classification: Likely pathogenic. Last evaluated: 2025-11-18. Review status: criteria provided, single submitter. Criteria: GeneDx Variant Classification Process June 2021. Collection method: clinical testing. Allele origin: germline. Affected: yes.
Comment: Frameshift variant predicted to result in abnormal protein length as the last 56 amino acid(s) are replaced with 17 different amino acid(s); Not observed at significant frequency in large population cohorts (gnomAD); Also known as c.295del; This variant is associated with the following publications: (PMID: 29359243, 35098635, 31106229, 34440194, 35883565, 39544370, 32311335, 31279336)

Labcorp Genetics (formerly Invitae), Labcorp
Classification: Uncertain significance. Last evaluated: 2023-03-30. Review status: criteria provided, single submitter. Criteria: Invitae Variant Classification Sherloc (09022015). Collection method: clinical testing. Allele origin: germline.
Comment: This variant is present in population databases (rs778755775, gnomAD 0.007%). This sequence change creates a premature translational stop signal (p.Phe99Leufs*18) in the ISCA2 gene. While this is not anticipated to result in nonsense mediated decay, it is expected to disrupt the last 56 amino acid(s) of the ISCA2 protein. This premature translational stop signal has been observed in individual(s) with clinical features consistent with multiple mitochondrial dysfunctions syndrome (PMID: 29359243). ClinVar contains an entry for this variant (Variation ID: 545531). Experimental studies and prediction algorithms are not available or were not evaluated, and the functional significance of this variant is currently unknown. In summary, the available evidence is currently insufficient to determine the role of this variant in disease. Therefore, it has been classified as a Variant of Uncertain Significance.

OMIM
Classification: Pathogenic for MULTIPLE MITOCHONDRIAL DYSFUNCTIONS SYNDROME 4. Last evaluated: 2018-06-15. Review status: no assertion criteria provided. Collection method: literature only. Allele origin: germline. Not counted in ClinVar's aggregate classification.

GeneReviews
No classification provided. Condition: Multiple mitochondrial dysfunctions syndrome 4. Review status: no classification provided. Collection method: literature only. Allele origin: germline. Not counted in ClinVar's aggregate classification.

Literature cited by the submitters: PubMed 29359243 (cited by Labcorp Genetics (formerly Invitae), Labcorp and OMIM); PubMed 25558065 (cited by GeneReviews); PubMed 25539947 (cited by GeneReviews); PubMed 29470032 (cited by GeneReviews).

NM_194279.4(ISCA2):c.297del (p.Phe99fs)

Gene: ISCA2 (iron-sulfur cluster assembly 2; plus strand). Cytogenetic location: 14q24.3.
Variant type: Deletion.
Coding change: c.297del on transcript NM_194279.4 (MANE Select); coding-DNA position 297, one base deleted (T; older notation c.297delT).
Protein change: p.Phe99fs; shifts the reading frame from phenylalanine 99.
Molecular consequence: frameshift variant. On other transcripts: stop lost (1).
Genome position (GRCh38, 1-based): chr14:74,494,832, T deleted; the last of 3 consecutive T bases (chr14:74,494,830-74,494,832); deleting any one gives the same sequence. VCF-style (leftmost placement, unchanged base first): chr14-74494829-AT-A. GRCh37 (hg19) VCF-style: chr14-74961532-AT-A.
Other names: c.181del, p.Ter61GluextTer? (NM_001272007.2); c.295delT (NM_194279.3); c.297delT (NM_194279.3); short protein forms F99fs.
Identifiers: ClinVar variation 545531 (VCV000545531.7), dbSNP rs778755775, ClinGen allele CA7268342.